The following is an entry in ClinVar:

NM_000143.4(FH):c.1028del (p.Arg343fs)

Gene: FH (fumarate hydratase; minus strand). Cytogenetic location: 1q43.
Variant type: Deletion.
Coding change: c.1028del on transcript NM_000143.4 (MANE Select); coding-DNA position 1028, one base deleted (G; older notation c.1028delG).
Protein change: p.Arg343fs; shifts the reading frame from arginine 343.
Molecular consequence: frameshift variant.
Genome position (GRCh38, 1-based): chr1:241,504,122, C deleted on the plus strand (G on the coding strand, the reverse complement: FH is on the minus strand). VCF-style (leftmost placement, unchanged base first): chr1-241504121-TC-T. GRCh37 (hg19) VCF-style: chr1-241667421-TC-T.
Other names: c.1028delG (NM_000143.3); short protein forms R343fs.
Identifiers: ClinVar variation 529809 (VCV000529809.9), dbSNP rs1553341026, ClinGen allele CA658795653.
Genomic context (GRCh38, chr1:241,504,121, plus strand): 5'-TGGTTCATTTTCAGGCAAGATCAATTCTCCCAGACCTGACCGAGGACCAGAACCCAAAAA[TC>T]GAATATCATTTGCTATCTTCATCAGACTGCAGGCAGTAGTGTTCATGGCTCCACTGAGCT-3'

ClinVar aggregate classification (germline): Pathogenic (1 of 4 stars; one submission).

Submission:

Labcorp Genetics (formerly Invitae), Labcorp
Classification: Pathogenic. Last evaluated: 2017-11-16. Review status: criteria provided, single submitter. Criteria: Invitae Variant Classification Sherloc (09022015). Collection method: clinical testing. Allele origin: germline.
Comment: This variant has not been reported in the literature in individuals with FH-related disease. This variant is not present in population databases (ExAC no frequency). This sequence change creates a premature translational stop signal (p.Arg343Hisfs*14) in the FH gene. It is expected to result in an absent or disrupted protein product. For these reasons, this variant has been classified as Pathogenic. Loss-of-function variants in FH are known to be pathogenic (PMID: 11865300, 21398687).

Literature cited by the submitters: PubMed 11865300; PubMed 21398687.